The following is an entry in ClinVar:

NM_001025603.2(RFX5):c.923G>C (p.Ser308Thr)

Gene: RFX5 (regulatory factor X5; minus strand). Cytogenetic location: 1q21.3.
Variant type: single nucleotide variant.
Coding change: c.923G>C on transcript NM_001025603.2 (MANE Select); coding-DNA position 923, G replaced by C.
Protein change: p.Ser308Thr; replaces serine 308 with threonine.
Molecular consequence: missense variant.
Genome position (GRCh38, 1-based): chr1:151,343,114, C>G on the plus strand (G>C on the coding strand, the complement: RFX5 is on the minus strand). VCF-style: chr1-151343114-C-G. GRCh37 (hg19) VCF-style: chr1-151315590-C-G.
Other names: c.923G>C, p.Ser308Thr (NM_000449.4, NM_001379412.1, NM_001379413.1 and 5 more transcripts); c.803G>C, p.Ser268Thr (NM_001379419.1, NM_001379420.1); short protein forms S308T, S268T.
Identifiers: ClinVar variation 1039117 (VCV001039117.7), dbSNP rs371591077, ClinGen allele CA341933450.
Genomic context (GRCh38, chr1:151,343,114, plus strand): 5'-CGAGCCACTAGGGCATTAACCTGCAGGTTATTGGCTCCTGGGGCCGAGCTCTCAACTACA[C>G]TCTTCTTCCGCTCTCCACGTGCGAGAGGACCGGCCCCAGTTCGGGCTTCCAGATCCTTAG-3'
Protein context (NP_001020774.1, residues 298-318): GPLARGERKK[Ser308Thr]VVESSAPGAN

ClinVar aggregate classification (germline): Uncertain significance (1 of 4 stars; one submission).

Conditions:
MHC class II deficiency. Also called: BLS, TYPE II; Bare lymphocyte syndrome 2. Identifiers: Orphanet 572, MedGen C5447452, MONDO:0008855.

gnomAD v4.1: 1 of 1,612,760 alleles (0.000062%); highest among the groups gnomAD compares: Non-Finnish European, 0.000085%; no homozygotes.

Submission:

Labcorp Genetics (formerly Invitae), Labcorp
Classification: Uncertain significance for MHC class II deficiency. Last evaluated: 2020-10-24. Review status: criteria provided, single submitter. Criteria: Invitae Variant Classification Sherloc (09022015). Collection method: clinical testing. Allele origin: germline.
Comment: In summary, the available evidence is currently insufficient to determine the role of this variant in disease. Therefore, it has been classified as a Variant of Uncertain Significance. Algorithms developed to predict the effect of missense changes on protein structure and function output the following: SIFT: "Tolerated"; PolyPhen-2: "Benign"; Align-GVGD: "Class C0". The threonine amino acid residue is found in multiple mammalian species, suggesting that this missense change does not adversely affect protein function. These predictions have not been confirmed by published functional studies and their clinical significance is uncertain. This variant has not been reported in the literature in individuals with RFX5-related conditions. This variant is not present in population databases (ExAC no frequency). This sequence change replaces serine with threonine at codon 308 of the RFX5 protein (p.Ser308Thr). The serine residue is moderately conserved and there is a small physicochemical difference between serine and threonine.